The following is an entry in ClinVar:

ClinVar aggregate classification (germline): Uncertain significance (1 of 4 stars; one submission).

Submission:

GeneDx
Classification: Uncertain significance. Last evaluated: 2022-10-24. Review status: criteria provided, single submitter. Criteria: GeneDx Variant Classification Process June 2021. Collection method: clinical testing. Allele origin: germline. Affected: yes.
Comment: Not observed at significant frequency in large population cohorts (gnomAD); In silico analysis supports that this missense variant does not alter protein structure/function; Has not been previously published as pathogenic or benign to our knowledge

NM_006876.3(B4GAT1):c.518C>A (p.Pro173Gln)

Gene: B4GAT1 (beta-1,4-glucuronyltransferase 1; minus strand). Cytogenetic location: 11q13.2.
Variant type: single nucleotide variant.
Coding change: c.518C>A on transcript NM_006876.3 (MANE Select); coding-DNA position 518, C replaced by A.
Protein change: p.Pro173Gln; replaces proline 173 with glutamine.
Molecular consequence: missense variant.
Genome position (GRCh38, 1-based): chr11:66,347,028, G>T on the plus strand (C>A on the coding strand, the complement: B4GAT1 is on the minus strand). VCF-style: chr11-66347028-G-T. GRCh37 (hg19) VCF-style: chr11-66114499-G-T.
Other names: short protein forms P173Q.
Identifiers: ClinVar variation 2499924 (VCV002499924.1), dbSNP rs776873237, ClinGen allele CA381418223.